The following is an entry in ClinVar:

ClinVar aggregate classification (germline): Pathogenic. Review status: criteria provided, multiple submitters, no conflicts (2 of 4 stars). 2 submissions from 2 submitters: Pathogenic (2). Last evaluated 2025-11-24.

Conditions:
Propionic acidemia (PROP). Also called: GLYCINEMIA, KETOTIC; HYPERGLYCINEMIA WITH KETOACIDOSIS AND LEUKOPENIA; KETOTIC HYPERGLYCINEMIA. Identifiers: Orphanet 35, MedGen C0268579, MONDO:0011628, OMIM 606054, HP:0003571.

Allele frequency attached by ClinVar (database versions not stated): TOPMed below 0.00001.

Submissions (2):

Myriad Genetics, Inc.
Classification: Pathogenic for Propionic acidemia. Last evaluated: 2025-11-24. Review status: criteria provided, single submitter. Criteria: Myriad Autosomal Dominant, Autosomal Recessive and X-Linked Classification Criteria (2023). Collection method: clinical testing. Allele origin: unknown.
Comment: NM_000282.3(PCCA):c.127C>T(Q43*) is a nonsense variant classified as pathogenic in the context of PCCA-related propionic acidemia. Q43* has been observed in cases with relevant disease (PMID: 37305718, 38582244). Relevant functional assessments of this variant are not available in the literature. Q43* has not been observed in referenced population frequency databases. In summary, NM_000282.3(PCCA):c.127C>T(Q43*) is a nonsense variant in a gene where loss of function is a known mechanism of disease, is predicted to disrupt protein function, and has been observed more frequently in cases with the relevant disease than in healthy populations. Please note: this variant was assessed in the context of healthy population screening.

Labcorp Genetics (formerly Invitae), Labcorp
Classification: Pathogenic for Propionic acidemia. Last evaluated: 2021-03-23. Review status: criteria provided, single submitter. Criteria: Invitae Variant Classification Sherloc (09022015). Collection method: clinical testing. Allele origin: germline.
Comment: This variant is not present in population databases (ExAC no frequency). This sequence change creates a premature translational stop signal (p.Gln43*) in the PCCA gene. It is expected to result in an absent or disrupted protein product. Loss-of-function variants in PCCA are known to be pathogenic (PMID: 15464417). This variant has not been reported in the literature in individuals with PCCA-related conditions. For these reasons, this variant has been classified as Pathogenic.

Literature cited by the submitters: PubMed 37305718 (cited by Myriad Genetics, Inc.); PubMed 38582244 (cited by Myriad Genetics, Inc.); PubMed 15464417 (cited by Labcorp Genetics (formerly Invitae), Labcorp).

NM_000282.4(PCCA):c.127C>T (p.Gln43Ter)

Gene: PCCA (propionyl-CoA carboxylase subunit alpha; plus strand). Cytogenetic location: 13q32.3.
Variant type: single nucleotide variant.
Coding change: c.127C>T on transcript NM_000282.4 (MANE Select); coding-DNA position 127, C replaced by T.
Protein change: p.Gln43Ter; replaces glutamine 43 with a stop codon.
Molecular consequence: nonsense. On other transcripts: 5 prime UTR variant (3), non-coding transcript variant (4), intron variant (3).
Genome position (GRCh38, 1-based): chr13:100,102,904, C>T. VCF-style: chr13-100102904-C-T. GRCh37 (hg19) VCF-style: chr13-100755158-C-T.
Other names: c.127C>T, p.Gln43Ter (NM_001178004.2, NM_001352605.2, NM_001352606.2 and 1 more transcripts); c.-740C>T (NM_001352610.2, NM_001352611.2, NM_001352612.2); c.106-8937C>T (NM_001127692.3, NM_001352607.2, NM_001352608.2); short protein forms Q43*.
Identifiers: ClinVar variation 1374012 (VCV001374012.7), dbSNP rs2047400320, ClinGen allele CA388692842.
Genomic context (GRCh38, chr13:100,102,904, plus strand): 5'-CAAGTATTTGCAATTTATTTTGCTTTCCTTTTTTTGTAGCATGTTCTGTACTATTCAAGA[C>T]AGTGCTTAATGGTGTCCCGTAATCTTGGTTCAGTGGGATATGATCCTAATGAAAAAGTAA-3'